The following is an entry in ClinVar:

ClinVar aggregate classification (germline): Uncertain significance (1 of 4 stars; one submission).

Conditions:
Tuberous sclerosis 2 (TSC2). Identifiers: Orphanet 805, MedGen C1860707, MONDO:0013199, OMIM 613254.

Allele frequency attached by ClinVar (database versions not stated): gnomAD exomes below 0.00001.
gnomAD v4.1: 1 of 1,612,664 alleles (0.000062%); highest among the groups gnomAD compares: South Asian, 0.0011%; no homozygotes.

Submission:

Labcorp Genetics (formerly Invitae), Labcorp
Classification: Uncertain significance for Tuberous sclerosis 2. Last evaluated: 2022-04-22. Review status: criteria provided, single submitter. Criteria: Invitae Variant Classification Sherloc (09022015). Collection method: clinical testing. Allele origin: germline.
Comment: This variant is not present in population databases (gnomAD no frequency). This variant has not been reported in the literature in individuals affected with TSC2-related conditions. Advanced modeling of protein sequence and biophysical properties (such as structural, functional, and spatial information, amino acid conservation, physicochemical variation, residue mobility, and thermodynamic stability) performed at Invitae indicates that this missense variant is not expected to disrupt TSC2 protein function. In summary, the available evidence is currently insufficient to determine the role of this variant in disease. Therefore, it has been classified as a Variant of Uncertain Significance. This sequence change replaces leucine, which is neutral and non-polar, with phenylalanine, which is neutral and non-polar, at codon 236 of the TSC2 protein (p.Leu236Phe).

NM_000548.5(TSC2):c.706C>T (p.Leu236Phe)

Gene: TSC2 (TSC complex subunit 2; plus strand). Cytogenetic location: 16p13.3.
Variant type: single nucleotide variant.
Coding change: c.706C>T on transcript NM_000548.5 (MANE Select); coding-DNA position 706, C replaced by T.
Protein change: p.Leu236Phe; replaces leucine 236 with phenylalanine.
Molecular consequence: missense variant.
Genome position (GRCh38, 1-based): chr16:2,056,701, C>T. VCF-style: chr16-2056701-C-T. GRCh37 (hg19) VCF-style: chr16-2106702-C-T.
Other names: c.706C>T, p.Leu236Phe (NM_001077183.3, NM_001114382.3, NM_001363528.2 and 6 more transcripts); c.595C>T, p.Leu199Phe (NM_001318827.2, NM_001406670.1, NM_001406678.1); c.559C>T, p.Leu187Phe (NM_001318829.2, NM_001406675.1, NM_001406676.1 and 1 more transcripts); c.106C>T, p.Leu36Phe (NM_001318831.2, NM_001406680.1, NM_001406682.1 and 6 more transcripts); c.739C>T, p.Leu247Phe (NM_001318832.2); c.796C>T, p.Leu266Phe (NM_001406667.1, NM_001406668.1); c.694C>T, p.Leu232Phe (NM_001406671.1, NM_001406673.1); c.649C>T, p.Leu217Phe (NM_001406677.1); and 4 more; short protein forms L36F, L217F, L247F, L266F, L187F, L199F, L232F, L236F.
Identifiers: ClinVar variation 1904511 (VCV001904511.5), dbSNP rs2548461968, ClinGen allele CA394312697.